The following is an entry in ClinVar:

NM_004360.5(CDH1):c.847G>A (p.Glu283Lys)

Gene: CDH1 (cadherin 1; plus strand). Cytogenetic location: 16q22.1.
Variant type: single nucleotide variant.
Coding change: c.847G>A on transcript NM_004360.5 (MANE Select); coding-DNA position 847, G replaced by A.
Protein change: p.Glu283Lys; replaces glutamic acid 283 with lysine.
Molecular consequence: missense variant. On other transcripts: 5 prime UTR variant (2).
Genome position (GRCh38, 1-based): chr16:68,811,698, G>A. VCF-style: chr16-68811698-G-A. GRCh37 (hg19) VCF-style: chr16-68845601-G-A.
Other names: c.847G>A (LRG_301t1); c.847G>A, p.Glu283Lys (NM_001317184.2); c.-769G>A (NM_001317185.2); c.-973G>A (NM_001317186.2); short protein forms E283K.
Identifiers: ClinVar variation 479496 (VCV000479496.20), dbSNP rs1555515601, ClinGen allele CA396459564.

ClinVar aggregate classification (germline): Conflicting classifications of pathogenicity. Review status: criteria provided, conflicting classifications (1 of 4 stars). 3 submissions from 3 submitters: Uncertain significance (2); Likely benign (1). Last evaluated 2026-05-11.

Conditions:
Hereditary cancer-predisposing syndrome. Also called: Tumor predisposition; Hereditary neoplastic syndrome; Neoplastic Syndromes, Hereditary; Hereditary Cancer Syndrome. Identifiers: Orphanet 140162, MedGen C0027672, MeSH D009386, MONDO:0015356.
Hereditary diffuse gastric adenocarcinoma (HDGC). Also called: DIFFUSE GASTRIC AND LOBULAR BREAST CANCER SYNDROME. Identifiers: Orphanet 26106, MedGen C1708349, MONDO:0007648, OMIM 137215.

Submissions (3):

Ambry Genetics
Classification: Likely benign for Hereditary cancer-predisposing syndrome. Last evaluated: 2026-05-11. Review status: criteria provided, single submitter. Criteria: Ambry Variant Classification Scheme 2023. Collection method: clinical testing. Allele origin: germline.

Labcorp Genetics (formerly Invitae), Labcorp
Classification: Uncertain significance for Hereditary diffuse gastric adenocarcinoma. Last evaluated: 2024-03-04. Review status: criteria provided, single submitter. Criteria: Invitae Variant Classification Sherloc (09022015). Collection method: clinical testing. Allele origin: germline.
Comment: This sequence change replaces glutamic acid, which is acidic and polar, with lysine, which is basic and polar, at codon 283 of the CDH1 protein (p.Glu283Lys). This variant is not present in population databases (gnomAD no frequency). This variant has not been reported in the literature in individuals affected with CDH1-related conditions. ClinVar contains an entry for this variant (Variation ID: 479496). Algorithms developed to predict the effect of missense changes on protein structure and function output the following: SIFT: "Not Available"; PolyPhen-2: "Benign"; Align-GVGD: "Not Available". The lysine amino acid residue is found in multiple mammalian species, which suggests that this missense change does not adversely affect protein function. In summary, the available evidence is currently insufficient to determine the role of this variant in disease. Therefore, it has been classified as a Variant of Uncertain Significance.

Color Diagnostics, LLC DBA Color Health
Classification: Uncertain significance for Hereditary cancer-predisposing syndrome. Last evaluated: 2023-12-05. Review status: criteria provided, single submitter. Criteria: ACMG Guidelines, 2015. Collection method: clinical testing. Allele origin: germline.
Comment: This missense variant replaces glutamic acid with lysine at codon 283 of the CDH1 protein. To our knowledge, functional studies have not been reported for this variant. This variant has not been reported in individuals affected with CDH1-related disorders in the literature. This variant has not been identified in the general population by the Genome Aggregation Database (gnomAD). The available evidence is insufficient to determine the role of this variant in disease conclusively. Therefore, this variant is classified as a Variant of Uncertain Significance.